The following is an entry in ClinVar:

NM_002529.4(NTRK1):c.1808C>G (p.Ser603Cys)

Gene: NTRK1 (neurotrophic receptor tyrosine kinase 1; plus strand). Cytogenetic location: 1q23.1.
Variant type: single nucleotide variant.
Coding change: c.1808C>G on transcript NM_002529.4 (MANE Select); coding-DNA position 1808, C replaced by G.
Protein change: p.Ser603Cys; replaces serine 603 with cysteine.
Molecular consequence: missense variant.
Genome position (GRCh38, 1-based): chr1:156,879,124, C>G. VCF-style: chr1-156879124-C-G. GRCh37 (hg19) VCF-style: chr1-156848916-C-G.
Other names: c.1700C>G, p.Ser567Cys (NM_001007792.1); c.1790C>G, p.Ser597Cys (NM_001012331.2); c.1808C>G (NM_002529.3); short protein forms S567C, S597C, S603C.
Identifiers: ClinVar variation 292892 (VCV000292892.53), dbSNP rs188270548, ClinGen allele CA1169498.

ClinVar aggregate classification (germline): Conflicting classifications of pathogenicity. Review status: criteria provided, conflicting classifications (1 of 4 stars). 11 submissions from 11 submitters: Uncertain significance (9); Likely benign (1). 1 of the submissions does not count toward it. Last evaluated 2025-11-19.

Conditions:
NTRK1-related disorder. Also called: NTRK1-related condition.
Hereditary insensitivity to pain with anhidrosis (CIPA). Also called: NEUROPATHY, CONGENITAL SENSORY, WITH ANHIDROSIS; NTRK1 Congenital Insensitivity to Pain with Anhidrosis; INSENSITIVITY TO PAIN, CONGENITAL, WITH ANHIDROSIS; hereditary sensory and autonomic neuropathy type 4; HSAN Type IV; FAMILIAL DYSAUTONOMIA, TYPE II. Identifiers: Orphanet 642, MedGen C0020074, MONDO:0009746, OMIM 256800.
Familial medullary thyroid carcinoma (MTC). Also called: Thyroid cancer, familial medullary; MTC, familial; Familial Medullary Thyroid Carcinoma (FMTC). Identifiers: Orphanet 653, Orphanet 99361, MedGen C1833921, MONDO:0007958, OMIM 155240.
Inborn genetic diseases. Identifiers: MedGen C0950123, MeSH D030342.

Allele frequency attached by ClinVar (database versions not stated): gnomAD exomes 0.00005 and 0.00014; ESP Exome Variant Server 0.00008; gnomAD 0.00011; ExAC 0.00013; 1000 Genomes Project 30x 0.00016; TOPMed 0.00016; 1000 Genomes Project 0.00020.
gnomAD v4.1: 96 of 1,613,804 alleles (0.0059%); highest among the groups gnomAD compares: Middle Eastern, 0.085%; no homozygotes.

Submissions (11):

PreventionGenetics, part of Exact Sciences
Classification: Uncertain significance for NTRK1-related condition. Last evaluated: 2025-11-19. Review status: criteria provided, single submitter. Criteria: ACMG Guidelines, 2015. Collection method: clinical testing. Allele origin: germline.
Comment: The NTRK1 c.1808C>G variant is predicted to result in the amino acid substitution p.Ser603Cys. To our knowledge, this variant has not been reported in the literature. This variant is reported in 0.025% of alleles in individuals of Latino descent in gnomAD. At this time, the clinical significance of this variant is uncertain due to the absence of conclusive functional and genetic evidence.

3billion
Classification: Likely benign for Hereditary insensitivity to pain with anhidrosis. Last evaluated: 2024-09-20. Review status: criteria provided, single submitter. Criteria: ACMG Guidelines, 2015. Collection method: clinical testing. Allele origin: germline. Affected: no.
Comment: The homozygous variant was found in patients diagnosed with another variant in a different gene, with no symptoms related to the gene containing the homozygous variant.

Genome-Nilou Lab
Classification: Uncertain significance for Hereditary insensitivity to pain with anhidrosis. Last evaluated: 2023-04-11. Review status: criteria provided, single submitter. Criteria: ACMG Guidelines, 2015. Collection method: clinical testing. Allele origin: germline. Affected: no.

CeGaT Center for Human Genetics Tuebingen
Classification: Uncertain significance. Last evaluated: 2022-11-01. Review status: criteria provided, single submitter. Criteria: CeGaT Center For Human Genetics Tuebingen Variant Classification Criteria Version 2. Collection method: clinical testing. Allele origin: germline. Affected: yes. Observed: 2 variant alleles.
Comment: NTRK1: PM2, PP3

Labcorp Genetics (formerly Invitae), Labcorp
Classification: Uncertain significance for Hereditary insensitivity to pain with anhidrosis. Last evaluated: 2022-08-15. Review status: criteria provided, single submitter. Criteria: Invitae Variant Classification Sherloc (09022015). Collection method: clinical testing. Allele origin: germline.
Comment: This sequence change replaces serine, which is neutral and polar, with cysteine, which is neutral and slightly polar, at codon 597 of the NTRK1 protein (p.Ser597Cys). This variant is present in population databases (rs188270548, gnomAD 0.03%). This variant has not been reported in the literature in individuals affected with NTRK1-related conditions. ClinVar contains an entry for this variant (Variation ID: 292892). Algorithms developed to predict the effect of missense changes on protein structure and function are either unavailable or do not agree on the potential impact of this missense change (SIFT: "Deleterious"; PolyPhen-2: "Benign"; Align-GVGD: "Class C15"). In summary, the available evidence is currently insufficient to determine the role of this variant in disease. Therefore, it has been classified as a Variant of Uncertain Significance.

Ambry Genetics
Classification: Uncertain significance for Inborn genetic diseases. Last evaluated: 2022-03-22. Review status: criteria provided, single submitter. Criteria: Ambry Variant Classification Scheme 2023. Collection method: clinical testing. Allele origin: germline.
Comment: The p.S597C variant (also known as c.1790C>G), located in coding exon 14 of the NTRK1 gene, results from a C to G substitution at nucleotide position 1790. The serine at codon 597 is replaced by cysteine, an amino acid with dissimilar properties. This amino acid position is conserved. In addition, the in silico prediction for this alteration is inconclusive. Since supporting evidence is limited at this time, the clinical significance of this alteration remains unclear.

Revvity Omics, Revvity
Classification: Uncertain significance for Hereditary insensitivity to pain with anhidrosis. Last evaluated: 2020-09-08. Review status: criteria provided, single submitter. Criteria: ACMG Guidelines, 2015. Collection method: clinical testing. Allele origin: germline.

Mendelics
Classification: Uncertain significance for Familial medullary thyroid carcinoma. Last evaluated: 2018-07-02. Review status: criteria provided, single submitter. Criteria: Mendelics Assertion Criteria 2017. Collection method: clinical testing. Allele origin: unknown.

Illumina Laboratory Services, Illumina
Classification: Uncertain significance for Hereditary insensitivity to pain with anhidrosis. Last evaluated: 2018-01-13. Review status: criteria provided, single submitter. Criteria: ICSL Variant Classification Criteria 13 December 2019. Collection method: clinical testing. Allele origin: germline.

Eurofins Ntd Llc (ga)
Classification: Uncertain significance. Last evaluated: 2016-10-04. Review status: criteria provided, single submitter. Criteria: EGL Classification Definitions 2015. Collection method: clinical testing. Allele origin: germline. Observed: 1 variant allele, 1 heterozygote.

Natera, Inc.
Classification: Uncertain significance for Hereditary insensitivity to pain with anhidrosis. Last evaluated: 2020-04-17. Review status: no assertion criteria provided. Collection method: clinical testing. Allele origin: germline. Not counted in ClinVar's aggregate classification.